The following is an entry in ClinVar:

NM_000051.4(ATM):c.*7G>T

Genes: ATM (ATM serine/threonine kinase; plus strand), C11orf65 (chromosome 11 open reading frame 65; minus strand). Cytogenetic location: 11q22.3.
Variant type: single nucleotide variant.
Coding change: c.*7G>T on transcript NM_000051.4 (MANE Select); 7 bases downstream of the stop codon, G replaced by T.
Molecular consequence: 3 prime UTR variant. On other transcripts: intron variant (2).
Genome position (GRCh38, 1-based): chr11:108,365,515, G>T. VCF-style: chr11-108365515-G-T. GRCh37 (hg19) VCF-style: chr11-108236242-G-T.
Other names: c.*7G>T (NM_001351834.2); c.640+20405C>A (NM_001330368.2); c.694+20405C>A (NM_001351110.2).
Identifiers: ClinVar variation 3772742 (VCV003772742.1).

ClinVar aggregate classification (germline): Benign (1 of 4 stars; one submission).

Conditions:
Familial cancer of breast. Also called: BREAST CANCER, FAMILIAL; Hereditary breast cancer; hereditary breast carcinoma. Identifiers: Orphanet 227535, MedGen C0346153, MONDO:0016419, OMIM 114480. Disease mechanism: loss of function.

Submission:

Myriad Genetics, Inc.
Classification: Benign for Familial cancer of breast. Last evaluated: 2024-10-01. Review status: criteria provided, single submitter. Criteria: Myriad Autosomal Dominant, Autosomal Recessive and X-Linked Classification Criteria (2023). Collection method: clinical testing. Allele origin: unknown.
Comment: This variant is considered benign. This variant occurs in the non-coding 3' untranslated region of the gene, and is not expected to impact protein function.